The following is an entry in ClinVar:

NM_032602.2(GJA10):c.1477C>T (p.Gln493Ter)

Gene: GJA10 (gap junction protein alpha 10; plus strand). Cytogenetic location: 6q15.
Variant type: single nucleotide variant.
Coding change: c.1477C>T on transcript NM_032602.2 (MANE Select); coding-DNA position 1477, C replaced by T.
Protein change: p.Gln493Ter; replaces glutamine 493 with a stop codon.
Molecular consequence: nonsense.
Genome position (GRCh38, 1-based): chr6:89,895,945, C>T. VCF-style: chr6-89895945-C-T. GRCh37 (hg19) VCF-style: chr6-90605664-C-T.
Other names: short protein forms Q493*.
Identifiers: ClinVar variation 2656770 (VCV002656770.24), dbSNP rs76342031, ClinGen allele CA3927706.

ClinVar aggregate classification (germline): Likely benign (1 of 4 stars; one submission).

Allele frequency attached by ClinVar (database versions not stated): 1000 Genomes Project 0.00260; 1000 Genomes Project 30x 0.00297; ESP Exome Variant Server 0.00684.

Submission:

CeGaT Center for Human Genetics Tuebingen
Classification: Likely benign. Last evaluated: 2023-05-01. Review status: criteria provided, single submitter. Criteria: CeGaT Center For Human Genetics Tuebingen Variant Classification Criteria Version 2. Collection method: clinical testing. Allele origin: germline. Affected: yes. Observed: 2 variant alleles.
Comment: GJA10: BS2